The following is an entry in ClinVar:

NM_000492.4(CFTR):c.3415A>G (p.Ile1139Val)

Genes: CFTR (CF transmembrane conductance regulator; plus strand), CFTR-AS2 (CFTR antisense RNA 2; minus strand). Cytogenetic location: 7q31.2.
Variant type: single nucleotide variant.
Coding change: c.3415A>G on transcript NM_000492.4 (MANE Select); coding-DNA position 3415, A replaced by G.
Protein change: p.Ile1139Val; replaces isoleucine 1139 with valine.
Molecular consequence: missense variant.
Genome position (GRCh38, 1-based): chr7:117,614,660, A>G. VCF-style: chr7-117614660-A-G. GRCh37 (hg19) VCF-style: chr7-117254714-A-G.
Other names: short protein forms I1139V.
Identifiers: ClinVar variation 53736 (VCV000053736.82), dbSNP rs397508556, ClinGen allele CA327174.

ClinVar aggregate classification (germline): Conflicting classifications of pathogenicity. Review status: criteria provided, conflicting classifications (1 of 4 stars). 17 submissions from 17 submitters: Pathogenic (2); Uncertain significance (11); Likely benign (1). 3 of the submissions do not count toward it. Last evaluated 2025-12-22.

Conditions:
CFTR-related disorder (CFTR-RD). Also called: CFTR-related disorders; CFTR-related condition. Identifiers: MedGen C5924204, MONDO:7770004.
Congenital bilateral aplasia of vas deferens from CFTR mutation (CBAVD). Identifiers: Orphanet 48, MedGen C0403814, MONDO:0010178, OMIM 277180. Disease mechanism: loss of function.
Cystic fibrosis (CF). Also called: MUCOVISCIDOSIS. Identifiers: Orphanet 586, MedGen C0010674, MONDO:0009061, OMIM 219700. Disease mechanism: loss of function.
Hereditary pancreatitis (PCTT). Also called: PRSS1-Related Hereditary Pancreatitis; Hereditary chronic pancreatitis. Identifiers: Orphanet 676, MedGen C0238339, MONDO:0008185, OMIM 167800.
Bronchiectasis with or without elevated sweat chloride 1 (BESC1). Also called: Cystic Fibrosis-Like Syndrome. Identifiers: Orphanet 60033, MedGen C2749757, MONDO:0008887, OMIM 211400.

Allele frequency attached by ClinVar (database versions not stated): ExAC 0.00007; gnomAD exomes 0.00010 and 0.00016; gnomAD 0.00011; TOPMed 0.00013.
gnomAD v4.1: 239 of 1,612,546 alleles (0.015%); highest among the groups gnomAD compares: Non-Finnish European, 0.02%; no homozygotes.

Submissions 1 to 8 of 17:

Labcorp Genetics (formerly Invitae), Labcorp
Classification: Uncertain significance for Cystic fibrosis. Last evaluated: 2025-12-22. Review status: criteria provided, single submitter. Criteria: Invitae Variant Classification Sherloc (09022015). Collection method: clinical testing. Allele origin: germline.
Comment: This sequence change replaces isoleucine, which is neutral and non-polar, with valine, which is neutral and non-polar, at codon 1139 of the CFTR protein (p.Ile1139Val). This variant is present in population databases (rs397508556, gnomAD 0.02%). This missense change has been observed in individual(s) with clinical features of CFTR-related conditions (PMID: 7881429, 17003641, 20021716, 27171515, 28801929). ClinVar contains an entry for this variant (Variation ID: 53736). Invitae Evidence Modeling of protein sequence and biophysical properties (such as structural, functional, and spatial information, amino acid conservation, physicochemical variation, residue mobility, and thermodynamic stability) indicates that this missense variant is not expected to disrupt CFTR protein function with a negative predictive value of 80%. Experimental studies have shown that this missense change affects CFTR function (PMID: 9804160). In summary, the available evidence is currently insufficient to determine the role of this variant in disease. Therefore, it has been classified as a Variant of Uncertain Significance.

Ambry Genetics
Classification: Uncertain significance for Cystic fibrosis. Last evaluated: 2025-10-24. Review status: criteria provided, single submitter. Criteria: Ambry Variant Classification Scheme 2023. Collection method: clinical testing. Allele origin: germline.
Comment: The p.I1139V variant (also known as c.3415A>G), located in coding exon 21 of the CFTR gene, results from an A to G substitution at nucleotide position 3415. The isoleucine at codon 1139 is replaced by valine, an amino acid with highly similar properties. This variant was originally reported in a healthy father of a child who had cystic fibrosis with elevated sweat chloride levels, pancreatic sufficiency, and respiratory disease. The mother was heterozygous for a nonsense variant; however, analysis was not performed in the child (Teng H et al. Hum. Mol. Genet., 1994 Dec;3:2249-50). This alteration was identified in multiple individuals with pancreatitis who carried a pathogenic variant (Keiles S et al. Pancreas, 2006 Oct;33:221-7; Pagin A et al. PLoS One, 2016 Feb;11:e0149426; Ambry internal data). However, this variant has also been detected in trans with a pathogenic mutation in unrelated individuals with normal sweat chloride levels (Ambry internal data). In a functional study, I1139V did not affect protein maturation, but reduced cAMP-activated whole cell chloride currents (Vankeerberghen A et al. FEBS Lett., 1998 Oct;437:1-4). This amino acid position is highly conserved in available vertebrate species. In addition, this alteration is predicted to be deleterious by in silico analysis. Based on the available evidence, the clinical significance of this variant remains unclear.

Women's Health and Genetics/Laboratory Corporation of America, LabCorp
Classification: Uncertain significance. Last evaluated: 2025-08-26. Review status: criteria provided, single submitter. Criteria: LabCorp Variant Classification Summary - May 2015. Collection method: clinical testing. Allele origin: germline.
Comment: Variant summary: CFTR c.3415A>G (p.Ile1139Val) results in a conservative amino acid change located in the ABC transporter type 1, transmembrane domain (IPR011527) of the encoded protein sequence. Algorithms developed to predict the effect of missense changes on protein structure and function are either unavailable or do not agree on the potential impact of this missense change. The variant allele was found at a frequency of 0.0001 in 251530 control chromosomes, predominantly at a frequency of 0.00022 within the Non-Finnish European subpopulation in the gnomAD database. This frequency is not significantly higher than estimated for disease-causing variants in CFTR, allowing no conclusion about variant significance. c.3415A>G has been reported in compound heterozygosity with a second disease-associated variant in at least one individual affected with a non-classic CF-phenotype (Vo_2006). The variant was also presumed to be present in a CF patient based on parental testing (Teng_1994). The variant was also detected in the U.S. CFTSS (U.S. CF Twin and Sibling Study; Green_2010, exact number of occurrences not specified). Furthermore, c.3415A>G has been reported in multiple individuals with various CFTR-related phenotypes including pancreatitis (e.g. Keiles_2006, Pagin_2016, Giefer_2017), CBAVD (e.g. Meschede_2000), oligospermia (e.g. Gallati_2009, Oud_2017) and primary sclerosing cholangitis (PSC; e.g. Sheth_2003), without strong evidence for causality. Experimental evidence evaluating an impact on protein function demonstrated a moderate reduction in chloride channel function but similar permeation properties compared to wild-type protein for this variant as assessed in xenopus oocytes (Vankeerberghen_1998). Although chloride channel function correlates with disease severity in CF/CFTR-RD, this finding has not been further corroborated by additional independent published reports in the literature. Further, according to Bihler_2024, the most pronounced variant effect resulted in approximately (Gt channel conductance) 67% of normal chloride channel conductance relative to wild type. The following publications have been ascertained in the context of this evaluation (PMID: 30146269, 16442101, 20021716, 15784035, 28502372, 30091983, 20932301, 17003641, 9345100, 10875874, 20416310, 28801929, 26900683, 12940920, 12783301, 10755189, 7881429, 9804160, 38388235). ClinVar contains an entry for this variant (Variation ID: 53736). Based on the evidence outlined above, the variant was classified as uncertain significance.

Johns Hopkins Genomics, Johns Hopkins University
Classification: Likely benign for Cystic fibrosis. Last evaluated: 2025-04-07. Review status: criteria provided, single submitter. Criteria: ACMG Guidelines, 2015. Collection method: clinical testing. Allele origin: germline.
Comment: This variant is classified as likely benign (PM2, BS3, BP6).

Quest Diagnostics Nichols Institute San Juan Capistrano
Classification: Uncertain significance. Last evaluated: 2025-03-24. Review status: criteria provided, single submitter. Criteria: Quest Diagnostics criteria. Collection method: clinical testing. Allele origin: unknown.
Comment: The CFTR c.3415A>G (p.Ile1139Val) variant has been reported in the published literature in individuals affected with cystic fibrosis-related diseases, such as congenital absence of the vas deferens (PMID: 8567837 (1995), 10875874 (2000), 20021716 (2009)), isolated anomalies of the seminal vesicles (PMID: 9345100 (1997)), primary sclerosing cholangitis (PMID: 12783301 (2003), 15784035 (2005)), pancreatitis (PMID: 17003641 (2006), 26900683 (2016), 27171515 (2016)), and idiopathic azoospermia or severe oligozoospermia (PMID: 28801929 (2017)). This variant has also been reported in individuals with family members affected with cystic fibrosis (PMID: 7881429 (1994), 20932301 (2010)). Assessment of experimental evidence regarding the effect of this variant on protein function is inconclusive (PMID: 9804160 (1998), 38388235 (2024)). The frequency of this variant in the general population (Genome Aggregation Database) is uninformative in the assessment of its pathogenicity. Analysis of this variant using bioinformatics tools for the prediction of the effect of amino acid changes on protein structure and function yielded predictions that this variant is damaging. Based on the available information, we are unable to determine the clinical significance of this variant.

Dasa
Classification: Uncertain significance. Last evaluated: 2025-01-06. Review status: criteria provided, single submitter. Criteria: DASA Assertion Criteria. Collection method: clinical testing. Allele origin: germline.
Comment: NM_000492.4(CFTR):c.3415A>G (p.Ile1139Val) is a missense variant that results in the substitution of isoleucine with valine. This variant has been recurrently observed in individuals with CFTR-related disorders (PMID: 12940920; PMID: 16442101). Functional evidence supports an impact on the gene or gene product (PMID: 12940920; PMID: 16442101). Also, this variant is rare in population databases. The currently available literature and clinical evidence are not sufficient to establish a definitive association between this variant and the reported condition. Therefore, this variant is classified as a variant of uncertain significance.

Blueprint Genetics
Classification: Uncertain significance. Last evaluated: 2024-08-29. Review status: criteria provided, single submitter. Criteria: ACMG Guidelines, 2015. Collection method: clinical testing. Allele origin: germline.

Fulgent Genetics
Classification: Uncertain significance for Hereditary pancreatitis; Bronchiectasis with or without elevated sweat chloride 1; Cystic fibrosis; Congenital bilateral aplasia of vas deferens from CFTR mutation. Last evaluated: 2024-05-29. Review status: criteria provided, single submitter. Criteria: ACMG Guidelines, 2015. Collection method: clinical testing. Allele origin: germline.